The following is an entry in ClinVar:

ClinVar aggregate classification (germline): Uncertain significance (0 of 4 stars; one submission).

Conditions:
RPGRIP1L-related disorder. Also called: RPGRIP1L-related condition; RPGRIP1L-related disorders. Identifiers: MedGen CN239416.

gnomAD v4.1: 1 of 1,614,074 alleles (0.000062%); no homozygotes.

Submission:

PreventionGenetics, part of Exact Sciences
Classification: Uncertain significance for RPGRIP1L-related condition. Last evaluated: 2024-09-06. Review status: no assertion criteria provided. Collection method: clinical testing. Allele origin: germline.
Comment: The RPGRIP1L c.1622A>C variant is predicted to result in the amino acid substitution p.Gln541Pro. To our knowledge, this variant has not been reported in the literature or in a large population database, indicating this variant is rare. At this time, the clinical significance of this variant is uncertain due to the absence of conclusive functional and genetic evidence.

NM_015272.5(RPGRIP1L):c.1622A>C (p.Gln541Pro)

Gene: RPGRIP1L (RPGRIP1 like; minus strand). Cytogenetic location: 16q12.2.
Variant type: single nucleotide variant.
Coding change: c.1622A>C on transcript NM_015272.5 (MANE Select); coding-DNA position 1622, A replaced by C.
Protein change: p.Gln541Pro; replaces glutamine 541 with proline.
Molecular consequence: missense variant.
Genome position (GRCh38, 1-based): chr16:53,656,549, T>G on the plus strand (A>C on the coding strand, the complement: RPGRIP1L is on the minus strand). VCF-style: chr16-53656549-T-G. GRCh37 (hg19) VCF-style: chr16-53690461-T-G.
Other names: c.1622A>C, p.Gln541Pro (NM_001127897.4, NM_001308334.3, NM_001330538.2); short protein forms Q541P.
Identifiers: ClinVar variation 3345635 (VCV003345635.1).